The following is an entry in ClinVar:

NM_182914.3(SYNE2):c.9085A>G (p.Lys3029Glu)

Gene: SYNE2 (spectrin repeat containing nuclear envelope protein 2; plus strand). Cytogenetic location: 14q23.2.
Variant type: single nucleotide variant.
Coding change: c.9085A>G on transcript NM_182914.3 (MANE Select); coding-DNA position 9085, A replaced by G.
Protein change: p.Lys3029Glu; replaces lysine 3029 with glutamic acid.
Molecular consequence: missense variant.
Genome position (GRCh38, 1-based): chr14:64,052,998, A>G. VCF-style: chr14-64052998-A-G. GRCh37 (hg19) VCF-style: chr14-64519716-A-G.
Other names: c.9085A>G (NM_182914.2); c.9085A>G, p.Lys3029Glu (NM_015180.6); short protein forms K3029E.
Identifiers: ClinVar variation 2200870 (VCV002200870.7), dbSNP rs2097239154, ClinGen allele CA389974981.

ClinVar aggregate classification (germline): Uncertain significance. Review status: criteria provided, multiple submitters, no conflicts (2 of 4 stars). 2 submissions from 2 submitters: Uncertain significance (2). Last evaluated 2023-05-27.

Conditions:
Emery-Dreifuss muscular dystrophy 5, autosomal dominant (EDMD5). Also called: EMERY-DREIFUSS MUSCULAR DYSTROPHY 5. Identifiers: Orphanet 261, MedGen C2751805, MONDO:0013072, OMIM 612999.

Allele frequency attached by ClinVar (database versions not stated): gnomAD exomes below 0.00001; TOPMed below 0.00001.

Submissions (2):

Labcorp Genetics (formerly Invitae), Labcorp
Classification: Uncertain significance for Emery-Dreifuss muscular dystrophy 5, autosomal dominant. Last evaluated: 2023-05-27. Review status: criteria provided, single submitter. Criteria: Invitae Variant Classification Sherloc (09022015). Collection method: clinical testing. Allele origin: germline.
Comment: This sequence change replaces lysine, which is basic and polar, with glutamic acid, which is acidic and polar, at codon 3029 of the SYNE2 protein (p.Lys3029Glu). This variant is not present in population databases (gnomAD no frequency). This variant has not been reported in the literature in individuals affected with SYNE2-related conditions. ClinVar contains an entry for this variant (Variation ID: 2200870). An algorithm developed to predict the effect of missense changes on protein structure and function (PolyPhen-2) suggests that this variant is likely to be tolerated. In summary, the available evidence is currently insufficient to determine the role of this variant in disease. Therefore, it has been classified as a Variant of Uncertain Significance.

Revvity Omics, Revvity
Classification: Uncertain significance for Emery-Dreifuss muscular dystrophy 5, autosomal dominant. Last evaluated: 2019-06-26. Review status: criteria provided, single submitter. Criteria: ACMG Guidelines, 2015. Collection method: clinical testing. Allele origin: germline.